The following is an entry in ClinVar:

NM_001256071.3(RNF213):c.7762G>A (p.Val2588Ile)

Gene: RNF213 (ring finger protein 213; plus strand). Cytogenetic location: 17q25.3.
Variant type: single nucleotide variant.
Coding change: c.7762G>A on transcript NM_001256071.3 (MANE Select); coding-DNA position 7762, G replaced by A.
Protein change: p.Val2588Ile; replaces valine 2588 with isoleucine.
Molecular consequence: missense variant.
Genome position (GRCh38, 1-based): chr17:80,346,097, G>A. VCF-style: chr17-80346097-G-A. GRCh37 (hg19) VCF-style: chr17-78319897-G-A.
Other names: c.7909G>A, p.Val2637Ile (NM_001410195.1, NM_020914.5); short protein forms V2588I, V2637I.
Identifiers: ClinVar variation 3068956 (VCV003068956.2), dbSNP rs139687165, ClinGen allele CA8820800.

ClinVar aggregate classification (germline): Uncertain significance (1 of 4 stars; one submission).

Allele frequency attached by ClinVar (database versions not stated): gnomAD 0.00002; TOPMed 0.00002; ExAC 0.00008; ESP Exome Variant Server 0.00008; gnomAD exomes 0.00012.

Submission:

Women's Health and Genetics/Laboratory Corporation of America, LabCorp
Classification: Uncertain significance. Last evaluated: 2024-02-01. Review status: criteria provided, single submitter. Criteria: LabCorp Variant Classification Summary - May 2015. Collection method: clinical testing. Allele origin: germline.
Comment: Variant summary: RNF213 c.7762G>A (p.Val2588Ile) results in a conservative amino acid change in the encoded protein sequence. Four of four in-silico tools predict a benign effect of the variant on protein function. The variant allele was found at a frequency of 7.2e-05 in 251450 control chromosomes. To our knowledge, no occurrence of c.7762G>A in individuals affected with Moyamoya Disease 2 and no experimental evidence demonstrating its impact on protein function have been reported. No submitters have cited clinical-significance assessments for this variant to ClinVar. Based on the evidence outlined above, the variant was classified as uncertain significance.